The following is an entry in ClinVar:

NM_003482.4(KMT2D):c.5868-1G>A

Gene: KMT2D (lysine methyltransferase 2D; minus strand). Cytogenetic location: 12q13.12.
Variant type: single nucleotide variant.
Coding change: c.5868-1G>A on transcript NM_003482.4 (MANE Select); the canonical splice acceptor site of the intron before coding-DNA position 5868, G replaced by A.
Molecular consequence: splice acceptor variant.
Genome position (GRCh38, 1-based): chr12:49,042,331, C>T on the plus strand (G>A on the coding strand, the complement: KMT2D is on the minus strand). VCF-style: chr12-49042331-C-T. GRCh37 (hg19) VCF-style: chr12-49436114-C-T.
Identifiers: ClinVar variation 652223 (VCV000652223.7), dbSNP rs867333942, ClinGen allele CA384627841.

ClinVar aggregate classification (germline): Pathogenic (1 of 4 stars; one submission).

Conditions:
Kabuki syndrome. Also called: NIIKAWA-KUROKI SYNDROME; Kabuki make-up syndrome. Identifiers: Orphanet 2322, MedGen C0796004, MONDO:0016512.

Submission:

Labcorp Genetics (formerly Invitae), Labcorp
Classification: Pathogenic for Kabuki syndrome. Last evaluated: 2025-03-31. Review status: criteria provided, single submitter. Criteria: Invitae Variant Classification Sherloc (09022015). Collection method: clinical testing. Allele origin: germline.
Comment: This sequence change affects an acceptor splice site in intron 27 of the KMT2D gene. It is expected to disrupt RNA splicing. Variants that disrupt the donor or acceptor splice site typically lead to a loss of protein function (PMID: 16199547), and loss-of-function variants in KMT2D are known to be pathogenic (PMID: 22126750). This variant is not present in population databases (gnomAD no frequency). Disruption of this splice site has been observed in individual(s) with Kabuki syndrome (internal data). ClinVar contains an entry for this variant (Variation ID: 652223). Algorithms developed to predict the effect of sequence changes on RNA splicing suggest that this variant may disrupt the consensus splice site. For these reasons, this variant has been classified as Pathogenic.

Literature cited by the submitters: PubMed 16199547; PubMed 22126750.